The following is an entry in ClinVar:

NM_001235.5(SERPINH1):c.*125A>G

Gene: SERPINH1 (serpin family H member 1; plus strand). Cytogenetic location: 11q13.5.
Variant type: single nucleotide variant.
Coding change: c.*125A>G on transcript NM_001235.5 (MANE Select); 125 bases downstream of the stop codon, A replaced by G.
Molecular consequence: 3 prime UTR variant.
Genome position (GRCh38, 1-based): chr11:75,572,208, A>G. VCF-style: chr11-75572208-A-G. GRCh37 (hg19) VCF-style: chr11-75283253-A-G.
Other names: c.*125A>G (NM_001207014.3).
Identifiers: ClinVar variation 306115 (VCV000306115.8), dbSNP rs9175, ClinGen allele CA10639447.

ClinVar aggregate classification (germline): Benign. Review status: criteria provided, multiple submitters, no conflicts (2 of 4 stars). 3 submissions from 3 submitters: Benign (3). Last evaluated 2018-06-19.

Conditions:
Osteogenesis imperfecta type 10 (OI10). Also called: OI, TYPE X. Identifiers: Orphanet 666, MedGen C3151211, MONDO:0013459, OMIM 613848.

Allele frequency attached by ClinVar (database versions not stated): 1000 Genomes Project 0.24780; 1000 Genomes Project 30x 0.24922; TOPMed 0.37494; gnomAD 0.38785 and 0.39341; gnomAD exomes 0.47739.
gnomAD v4.1: 429,479 of 929,252 alleles (46%); highest among the groups gnomAD compares: Non-Finnish European, 55%; 110,693 homozygotes.

Submissions (3):

GeneDx
Classification: Benign. Last evaluated: 2018-06-19. Review status: criteria provided, single submitter. Criteria: GeneDx Variant Classification Process June 2021. Collection method: clinical testing. Allele origin: germline. Affected: yes.

Illumina Laboratory Services, Illumina
Classification: Benign for Osteogenesis imperfecta type 10. Last evaluated: 2018-01-12. Review status: criteria provided, single submitter. Criteria: ICSL Variant Classification Criteria 13 December 2019. Collection method: clinical testing. Allele origin: germline.
Comment: This variant was observed in the ICSL laboratory as part of a predisposition screen in an ostensibly healthy population. It had not been previously curated by ICSL or reported in the Human Gene Mutation Database (HGMD: prior to June 1st, 2018), and was therefore a candidate for classification through an automated scoring system. Utilizing variant allele frequency, disease prevalence and penetrance estimates, and inheritance mode, an automated score was calculated to assess if this variant is too frequent to cause the disease. Based on the score and internal cut-off values, a variant classified as benign is not then subjected to further curation. The score for this variant resulted in a classification of benign for this disease.

Breakthrough Genomics
Classification: Benign. Review status: criteria provided, single submitter. Criteria: ACMG Guidelines, 2015. Collection method: not provided. Allele origin: germline. Inheritance: Multifactorial inheritance. Affected: yes.